The following is an entry in ClinVar:

ClinVar aggregate classification (germline): Uncertain significance (1 of 4 stars; one submission).

Conditions:
Hereditary cancer-predisposing syndrome. Also called: Neoplastic Syndromes, Hereditary; Tumor predisposition; Hereditary Cancer Syndrome; Hereditary neoplastic syndrome. Identifiers: Orphanet 140162, MedGen C0027672, MeSH D009386, MONDO:0015356.

Allele frequency attached by ClinVar (database versions not stated): gnomAD exomes below 0.00001.
gnomAD v4.1: 1 of 1,613,378 alleles (0.000062%); highest among the groups gnomAD compares: East Asian, 0.0022%; no homozygotes.

Submission:

Ambry Genetics
Classification: Uncertain significance for Hereditary cancer-predisposing syndrome. Last evaluated: 2022-04-08. Review status: criteria provided, single submitter. Criteria: Ambry Variant Classification Scheme 2023. Collection method: clinical testing. Allele origin: germline.
Comment: The p.G137S variant (also known as c.409G>A), located in coding exon 4 of the FANCC gene, results from a G to A substitution at nucleotide position 409. The glycine at codon 137 is replaced by serine, an amino acid with similar properties. This amino acid position is conserved. In addition, this alteration is predicted to be tolerated by in silico analysis. Since supporting evidence is limited at this time, the clinical significance of this alteration remains unclear.

NM_000136.3(FANCC):c.409G>A (p.Gly137Ser)

Gene: FANCC (FA complementation group C; minus strand). Cytogenetic location: 9q22.32.
Variant type: single nucleotide variant.
Coding change: c.409G>A on transcript NM_000136.3 (MANE Select); coding-DNA position 409, G replaced by A.
Protein change: p.Gly137Ser; replaces glycine 137 with serine.
Molecular consequence: missense variant.
Genome position (GRCh38, 1-based): chr9:95,172,084, C>T on the plus strand (G>A on the coding strand, the complement: FANCC is on the minus strand). VCF-style: chr9-95172084-C-T. GRCh37 (hg19) VCF-style: chr9-97934366-C-T.
Other names: c.409G>A, p.Gly137Ser (NM_001243743.2, NM_001243744.2); short protein forms G137S.
Identifiers: ClinVar variation 1737814 (VCV001737814.2), dbSNP rs2541949842, ClinGen allele CA374338791.